The following is an entry in ClinVar:

NM_001943.5(DSG2):c.1483A>T (p.Asn495Tyr)

Gene: DSG2 (desmoglein 2; plus strand). Cytogenetic location: 18q12.1.
Variant type: single nucleotide variant.
Coding change: c.1483A>T on transcript NM_001943.5 (MANE Select); coding-DNA position 1483, A replaced by T.
Protein change: p.Asn495Tyr; replaces asparagine 495 with tyrosine.
Molecular consequence: missense variant.
Genome position (GRCh38, 1-based): chr18:31,536,261, A>T. VCF-style: chr18-31536261-A-T. GRCh37 (hg19) VCF-style: chr18-29116224-A-T.
Other names: c.1483A>T (NM_001943.4); short protein forms N495Y.
Identifiers: ClinVar variation 1773618 (VCV001773618.6), dbSNP rs2510917823, ClinGen allele CA402141405.
Genomic context (GRCh38, chr18:31,536,261, plus strand): 5'-GATTATCCTAGAAAAACCATCACTGGCACAGTCCTTATCAATGTTGAAGACATCAACGAC[A>T]ACTGTCCCACACTGATAGAGCCTGTGCAGACAATCTGTCACGATGCAGAGTATGTGAATG-3'
Protein context (NP_001934.2, residues 485-505): VLINVEDIND[Asn495Tyr]CPTLIEPVQT

ClinVar aggregate classification (germline): Uncertain significance. Review status: criteria provided, multiple submitters, no conflicts (2 of 4 stars). 4 submissions from 4 submitters: Uncertain significance (4). Last evaluated 2025-02-03.

Conditions:
Cardiomyopathy (CMYO). Also called: Cardiomyopathies. Identifiers: Orphanet 167848, MedGen C0878544, MONDO:0004994, HP:0001638. Inheritance: Various modes of inheritance.
Cardiovascular phenotype. Identifiers: MedGen CN230736.
Arrhythmogenic right ventricular dysplasia 10. Also called: Arrhythmogenic Right Ventricular Dysplasia/Cardiomyopathy10; Arrhythmogenic right ventricular dysplasia/cardiomyopathy, type 10; ARRHYTHMOGENIC RIGHT VENTRICULAR DYSPLASIA, FAMILIAL, 10. Identifiers: MedGen C1857777, MONDO:0012434, OMIM 610193.

Submissions (4):

Color Diagnostics, LLC DBA Color Health
Classification: Uncertain significance for Cardiomyopathy. Last evaluated: 2025-02-03. Review status: criteria provided, single submitter. Criteria: ACMG Guidelines, 2015. Collection method: clinical testing. Allele origin: germline.
Comment: This missense variant replaces asparagine with tyrosine at codon 495 of the DSG2 protein. Computational prediction suggests that this variant may not impact protein structure and function (internally defined REVEL score threshold <= 0.5, PMID: 27666373). To our knowledge, functional studies have not been reported for this variant. This variant has not been reported in individuals affected with DSG2-related disorders in the literature. This variant has not been identified in the general population by the Genome Aggregation Database (gnomAD). The available evidence is insufficient to determine the role of this variant in disease conclusively. Therefore, this variant is classified as a Variant of Uncertain Significance.

Labcorp Genetics (formerly Invitae), Labcorp
Classification: Uncertain significance for Arrhythmogenic right ventricular dysplasia 10. Last evaluated: 2024-03-24. Review status: criteria provided, single submitter. Criteria: Invitae Variant Classification Sherloc (09022015). Collection method: clinical testing. Allele origin: germline.
Comment: This sequence change replaces asparagine, which is neutral and polar, with tyrosine, which is neutral and polar, at codon 495 of the DSG2 protein (p.Asn495Tyr). This variant is not present in population databases (gnomAD no frequency). This variant has not been reported in the literature in individuals affected with DSG2-related conditions. ClinVar contains an entry for this variant (Variation ID: 1773618). Advanced modeling of protein sequence and biophysical properties (such as structural, functional, and spatial information, amino acid conservation, physicochemical variation, residue mobility, and thermodynamic stability) performed at Invitae indicates that this missense variant is not expected to disrupt DSG2 protein function with a negative predictive value of 95%. In summary, the available evidence is currently insufficient to determine the role of this variant in disease. Therefore, it has been classified as a Variant of Uncertain Significance.

Women's Health and Genetics/Laboratory Corporation of America, LabCorp
Classification: Uncertain significance. Last evaluated: 2023-08-19. Review status: criteria provided, single submitter. Criteria: LabCorp Variant Classification Summary - May 2015. Collection method: clinical testing. Allele origin: germline.

Ambry Genetics
Classification: Uncertain significance for Cardiovascular phenotype. Last evaluated: 2021-06-22. Review status: criteria provided, single submitter. Criteria: Ambry Variant Classification Scheme 2023. Collection method: clinical testing. Allele origin: germline.
Comment: The p.N495Y variant (also known as c.1483A>T), located in coding exon 11 of the DSG2 gene, results from an A to T substitution at nucleotide position 1483. The asparagine at codon 495 is replaced by tyrosine, an amino acid with dissimilar properties. This amino acid position is conserved. In addition, the in silico prediction for this alteration is inconclusive. Since supporting evidence is limited at this time, the clinical significance of this alteration remains unclear.